The following is an entry in ClinVar:

NM_001127511.3(APC):c.-1T>A

Gene: APC (APC regulator of Wnt signaling pathway; plus strand). Cytogenetic location: 5q22.2.
Variant type: single nucleotide variant.
Coding change: c.-1T>A on transcript NM_001127511.3; 1 bases upstream of the start codon, T replaced by A.
Molecular consequence: 5 prime UTR variant. On other transcripts: non-coding transcript variant (1), intron variant (5).
Genome position (GRCh38, 1-based): chr5:112,707,717, T>A. VCF-style: chr5-112707717-T-A. GRCh37 (hg19) VCF-style: chr5-112043414-T-A.
Other names: c.-184T>A (NM_001354895.2, NM_001407447.1, NM_001407452.1 and 3 more transcripts); c.-1T>A (NM_001354897.2, NM_001354902.2, NM_001407446.1); c.-1219T>A (NM_001407470.1, NM_001407472.1); c.-19+68T>A (NM_001407448.1, NM_001407450.1, NM_001407457.1 and 1 more transcripts); c.-43+68T>A (NM_001407453.1).
Identifiers: ClinVar variation 1014474 (VCV001014474.9), dbSNP rs1750600817, ClinGen allele CA1573442669.
Genomic context (GRCh38, chr5:112,707,717, plus strand): 5'-TGTTGGCTGTTGGTGAGGAAGGTGAAGCACTCAGTTGCCTTCTCGGGCCTCGGCGCCCCC[T>A]ATGTACGCCTCCCTGGGCTCGGGTCCGGTCGCCCCTTTGCCCGCTTCTGTACCACCCTCA-3'

ClinVar aggregate classification (germline): Uncertain significance (1 of 4 stars; one submission).

Conditions:
Familial adenomatous polyposis 1 (FAP1). Also called: FAMILIAL ADENOMATOUS POLYPOSIS 1, ATTENUATED; POLYPOSIS, ADENOMATOUS INTESTINAL. Identifiers: MedGen C2713442, MONDO:0021056, OMIM 175100. Disease mechanism: loss of function.

gnomAD v4.1: 1 of 1,370,600 alleles (0.000073%); highest among the groups gnomAD compares: Non-Finnish European, 0.000096%; no homozygotes.

Submission:

Labcorp Genetics (formerly Invitae), Labcorp
Classification: Uncertain significance for Familial adenomatous polyposis 1. Last evaluated: 2024-12-11. Review status: criteria provided, single submitter. Criteria: Invitae Variant Classification Sherloc (09022015). Collection method: clinical testing. Allele origin: germline.
Comment: This variant occurs in a non-coding region of the APC gene. It does not change the encoded amino acid sequence of the APC protein. This variant is not present in population databases (gnomAD no frequency). This variant has not been reported in the literature in individuals affected with APC-related conditions. Experimental studies and prediction algorithms are not available or were not evaluated, and the functional significance of this variant is currently unknown. In summary, the available evidence is currently insufficient to determine the role of this variant in disease. Therefore, it has been classified as a Variant of Uncertain Significance.